The following is an entry in ClinVar:

NM_002693.3(POLG):c.3634A>G (p.Ile1212Val)

Gene: POLG (DNA polymerase gamma, catalytic subunit; minus strand). Cytogenetic location: 15q26.1.
Variant type: single nucleotide variant.
Coding change: c.3634A>G on transcript NM_002693.3 (MANE Select); coding-DNA position 3634, A replaced by G.
Protein change: p.Ile1212Val; replaces isoleucine 1212 with valine.
Molecular consequence: missense variant.
Genome position (GRCh38, 1-based): chr15:89,317,385, T>C on the plus strand (A>G on the coding strand, the complement: POLG is on the minus strand). VCF-style: chr15-89317385-T-C. GRCh37 (hg19) VCF-style: chr15-89860616-T-C.
Other names: c.3634A>G, p.Ile1212Val (NM_001126131.2); short protein forms I1212V.
Identifiers: ClinVar variation 3636627 (VCV003636627.2).
Genomic context (GRCh38, chr15:89,317,385, plus strand): 5'-TAGTCCACCTCAGATCCTATGTGTAATGAGGAACAAATGTGTTGTGCTCACCCTGGGGAA[T>C]CCCGTATCTCCTTTCCATCCCAGTTGGGTTGGAAGGGGTTTTACAATCCATGGTCACTTC-3'
Protein context (NP_002684.1, residues 1202-1222): NPTGMERRYG[Ile1212Val]PQGEALDIYQ

ClinVar aggregate classification (germline): Uncertain significance (1 of 4 stars; one submission).

Conditions:
Progressive sclerosing poliodystrophy (MTDPS4A). Also called: ALPERS PROGRESSIVE INFANTILE POLIODYSTROPHY; NEURONAL DEGENERATION OF CHILDHOOD WITH LIVER DISEASE, PROGRESSIVE; Alpers Syndrome; ALPERS DIFFUSE DEGENERATION OF CEREBRAL GRAY MATTER WITH HEPATIC CIRRHOSIS; Alpers-Huttenlocher Syndrome; Mitochondrial DNA depletion syndrome 4A (Alpers type). Identifiers: Orphanet 726, MedGen C0205710, MONDO:0008758, OMIM 203700.

Submission:

Labcorp Genetics (formerly Invitae), Labcorp
Classification: Uncertain significance for Progressive sclerosing poliodystrophy. Last evaluated: 2024-08-28. Review status: criteria provided, single submitter. Criteria: Invitae Variant Classification Sherloc (09022015). Collection method: clinical testing. Allele origin: germline.
Comment: This sequence change replaces isoleucine, which is neutral and non-polar, with valine, which is neutral and non-polar, at codon 1212 of the POLG protein (p.Ile1212Val). This variant is not present in population databases (gnomAD no frequency). This variant has not been reported in the literature in individuals affected with POLG-related conditions. Invitae Evidence Modeling of protein sequence and biophysical properties (such as structural, functional, and spatial information, amino acid conservation, physicochemical variation, residue mobility, and thermodynamic stability) indicates that this missense variant is not expected to disrupt POLG protein function with a negative predictive value of 95%. In summary, the available evidence is currently insufficient to determine the role of this variant in disease. Therefore, it has been classified as a Variant of Uncertain Significance.